The following is an entry in ClinVar:

NM_001999.4(FBN2):c.3602T>C (p.Ile1201Thr)

Gene: FBN2 (fibrillin 2; minus strand). Cytogenetic location: 5q23.3.
Variant type: single nucleotide variant.
Coding change: c.3602T>C on transcript NM_001999.4 (MANE Select); coding-DNA position 3602, T replaced by C.
Protein change: p.Ile1201Thr; replaces isoleucine 1201 with threonine.
Molecular consequence: missense variant.
Genome position (GRCh38, 1-based): chr5:128,336,110, A>G on the plus strand (T>C on the coding strand, the complement: FBN2 is on the minus strand). VCF-style: chr5-128336110-A-G. GRCh37 (hg19) VCF-style: chr5-127671802-A-G.
Other names: short protein forms I1201T.
Identifiers: ClinVar variation 1018065 (VCV001018065.11), dbSNP rs755127278, ClinGen allele CA127014119.

ClinVar aggregate classification (germline): Uncertain significance. Review status: criteria provided, multiple submitters, no conflicts (2 of 4 stars). 3 submissions from 3 submitters: Uncertain significance (3). Last evaluated 2025-06-17.

Conditions:
Familial thoracic aortic aneurysm and aortic dissection (TAAD). Also called: Thoracic aortic aneurysms and dissections. Identifiers: Orphanet 91387, MedGen C4707243, MONDO:0019625.
Congenital contractural arachnodactyly (CCA). Also called: BEALS SYNDROME; Beals-Hecht syndrome; Arthrogryposis, distal, type 9. Identifiers: Orphanet 115, MedGen C0220668, MONDO:0007363, OMIM 121050.

Allele frequency attached by ClinVar (database versions not stated): gnomAD exomes 0.00001 and 0.00007; TOPMed 0.00002; gnomAD 0.00003 and 0.00004.
gnomAD v4.1: 106 of 1,613,218 alleles (0.0066%); highest among the groups gnomAD compares: Non-Finnish European, 0.009%; no homozygotes.

Submissions (3):

Labcorp Genetics (formerly Invitae), Labcorp
Classification: Uncertain significance for Congenital contractural arachnodactyly. Last evaluated: 2025-06-17. Review status: criteria provided, single submitter. Criteria: Invitae Variant Classification Sherloc (09022015). Collection method: clinical testing. Allele origin: germline.
Comment: This sequence change replaces isoleucine, which is neutral and non-polar, with threonine, which is neutral and polar, at codon 1201 of the FBN2 protein (p.Ile1201Thr). This variant is present in population databases (rs755127278, gnomAD 0.005%). This variant has not been reported in the literature in individuals affected with FBN2-related conditions. ClinVar contains an entry for this variant (Variation ID: 1018065). Invitae Evidence Modeling of protein sequence and biophysical properties (such as structural, functional, and spatial information, amino acid conservation, physicochemical variation, residue mobility, and thermodynamic stability) indicates that this missense variant is not expected to disrupt FBN2 protein function with a negative predictive value of 80%. In summary, the available evidence is currently insufficient to determine the role of this variant in disease. Therefore, it has been classified as a Variant of Uncertain Significance.

Ambry Genetics
Classification: Uncertain significance for Familial thoracic aortic aneurysm and aortic dissection. Last evaluated: 2024-05-29. Review status: criteria provided, single submitter. Criteria: Ambry Variant Classification Scheme 2023. Collection method: clinical testing. Allele origin: germline.
Comment: The p.I1201T variant (also known as c.3602T>C), located in coding exon 28 of the FBN2 gene, results from a T to C substitution at nucleotide position 3602. The isoleucine at codon 1201 is replaced by threonine, an amino acid with similar properties. This amino acid position is not well conserved in available vertebrate species. In addition, the in silico prediction for this alteration is inconclusive. Based on the available evidence, the clinical significance of this variant remains unclear.

GeneDx
Classification: Uncertain significance. Last evaluated: 2021-10-06. Review status: criteria provided, single submitter. Criteria: GeneDx Variant Classification Process June 2021. Collection method: clinical testing. Allele origin: germline. Affected: yes.
Comment: Has not been previously published as pathogenic or benign to our knowledge; In silico analysis supports that this missense variant has a deleterious effect on protein structure/function; Although located in a calcium-binding EGF-like domain of the FBN2 gene, it does not affect a cysteine residue within this domain; cysteine substitutions in the calcium-binding EGF-like domains represent the majority of pathogenic missense changes associated with FBN2-related disorders (Frederic et al., 2009); Reported in ClinVar as a variant of uncertain significance (ClinVar Variant ID# 1018065; Landrum et al., 2016)